The following is an entry in ClinVar:

NM_001417.7(EIF4B):c.195G>A (p.Ala65=)

Gene: EIF4B (eukaryotic translation initiation factor 4B; plus strand). Cytogenetic location: 12q13.13.
Variant type: single nucleotide variant.
Coding change: c.195G>A on transcript NM_001417.7 (MANE Select); coding-DNA position 195, G replaced by A.
Protein change: p.Ala65=; no amino-acid change (alanine 65 retained).
Molecular consequence: synonymous variant.
Genome position (GRCh38, 1-based): chr12:53,018,841, G>A. VCF-style: chr12-53018841-G-A. GRCh37 (hg19) VCF-style: chr12-53412625-G-A.
Other names: c.195G>A, p.Ala65= (NM_001300821.3, NM_001330654.2).
Identifiers: ClinVar variation 4820766 (VCV004820766.4).

ClinVar aggregate classification (germline): Likely benign (1 of 4 stars; one submission).

gnomAD v4.1: 4,400 of 1,613,348 alleles (0.27%); highest among the groups gnomAD compares: Non-Finnish European, 0.31%; 13 homozygotes.

Submission:

CeGaT Center for Human Genetics Tuebingen
Classification: Likely benign. Last evaluated: 2026-01-01. Review status: criteria provided, single submitter. Criteria: CeGaT Center For Human Genetics Tuebingen Variant Classification Criteria Version 2. Collection method: clinical testing. Allele origin: germline. Affected: yes. Observed: 1 variant allele.
Comment: EIF4B: BP4, BP7, BS2